The following is an entry in ClinVar:

NM_058216.3(RAD51C):c.405-17C>T

Gene: RAD51C (RAD51 paralog C; plus strand). Cytogenetic location: 17q22.
Variant type: single nucleotide variant.
Coding change: c.405-17C>T on transcript NM_058216.3 (MANE Select); 17 bases into the intron before coding-DNA position 405, C replaced by T.
Molecular consequence: intron variant.
Genome position (GRCh38, 1-based): chr17:58,696,676, C>T. VCF-style: chr17-58696676-C-T. GRCh37 (hg19) VCF-style: chr17-56774037-C-T.
Identifiers: ClinVar variation 3904079 (VCV003904079.1).

ClinVar aggregate classification (germline): Likely benign (1 of 4 stars; one submission).

Conditions:
Breast-ovarian cancer, familial, susceptibility to, 3. Also called: RAD51C-Related Breast/Ovarian Cancer. Identifiers: Orphanet 145, MedGen C3150659, MONDO:0013253, OMIM 613399.

Submission:

Myriad Genetics, Inc.
Classification: Likely benign for Breast-ovarian cancer, familial, susceptibility to, 3. Last evaluated: 2025-02-18. Review status: criteria provided, single submitter. Criteria: Myriad Autosomal Dominant, Autosomal Recessive and X-Linked Classification Criteria (2023). Collection method: clinical testing. Allele origin: unknown.
Comment: This variant is considered likely benign. This variant is intronic and is not expected to impact mRNA splicing.